The following is an entry in ClinVar:

NM_198880.3(QRICH1):c.1414T>G (p.Ser472Ala)

Gene: QRICH1 (glutamine rich 1; minus strand). Cytogenetic location: 3p21.31.
Variant type: single nucleotide variant.
Coding change: c.1414T>G on transcript NM_198880.3 (MANE Select); coding-DNA position 1414, T replaced by G.
Protein change: p.Ser472Ala; replaces serine 472 with alanine.
Molecular consequence: missense variant.
Genome position (GRCh38, 1-based): chr3:49,047,171, A>C on the plus strand (T>G on the coding strand, the complement: QRICH1 is on the minus strand). VCF-style: chr3-49047171-A-C. GRCh37 (hg19) VCF-style: chr3-49084604-A-C.
Other names: c.1414T>G, p.Ser472Ala (NM_001320580.2, NM_001320581.2, NM_001320582.2 and 4 more transcripts); short protein forms S472A.
Identifiers: ClinVar variation 2507153 (VCV002507153.1), dbSNP rs2471682702, ClinGen allele CA352760407.

ClinVar aggregate classification (germline): Uncertain significance (1 of 4 stars; one submission).

Submission:

GeneDx
Classification: Uncertain significance. Last evaluated: 2022-12-28. Review status: criteria provided, single submitter. Criteria: GeneDx Variant Classification Process June 2021. Collection method: clinical testing. Allele origin: germline. Affected: yes.
Comment: Not observed at significant frequency in large population cohorts (gnomAD); In silico analysis supports that this missense variant does not alter protein structure/function; Has not been previously published as pathogenic or benign to our knowledge